The following is an entry in ClinVar:

NM_004360.5(CDH1):c.1730G>A (p.Gly577Glu)

Gene: CDH1 (cadherin 1; plus strand). Cytogenetic location: 16q22.1.
Variant type: single nucleotide variant.
Coding change: c.1730G>A on transcript NM_004360.5 (MANE Select); coding-DNA position 1730, G replaced by A.
Protein change: p.Gly577Glu; replaces glycine 577 with glutamic acid.
Molecular consequence: missense variant. On other transcripts: 5 prime UTR variant (1).
Genome position (GRCh38, 1-based): chr16:68,822,019, G>A. VCF-style: chr16-68822019-G-A. GRCh37 (hg19) VCF-style: chr16-68855922-G-A.
Other names: c.1730G>A (LRG_301t1); c.1547G>A, p.Gly516Glu (NM_001317184.2); c.182G>A, p.Gly61Glu (NM_001317185.2); c.-236G>A (NM_001317186.2); short protein forms G577E, G516E, G61E.
Identifiers: ClinVar variation 479499 (VCV000479499.5), dbSNP rs1555516820, ClinGen allele CA396466281.
Genomic context (GRCh38, chr16:68,822,019, plus strand): 5'-ACTGTTGCCAAGCTGCCACATTTTCTGTGTATTTTCTCTTAGGTTCTCCAGTTGCTACTG[G>A]AACAGGGACACTTCTGCTGATCCTGTCTGATGTGAATGACAACGCCCCCATACCAGAACC-3'
Protein context (NP_004351.1, residues 567-587): ATDNGSPVAT[Gly577Glu]TGTLLLILSD

ClinVar aggregate classification (germline): Uncertain significance (1 of 4 stars; one submission).

Conditions:
Hereditary cancer-predisposing syndrome. Also called: Neoplastic Syndromes, Hereditary; Hereditary Cancer Syndrome; Hereditary neoplastic syndrome; Tumor predisposition. Identifiers: Orphanet 140162, MedGen C0027672, MeSH D009386, MONDO:0015356.

Submission:

Ambry Genetics
Classification: Uncertain significance for Hereditary cancer-predisposing syndrome. Last evaluated: 2016-04-04. Review status: criteria provided, single submitter. Criteria: Ambry Variant Classification Scheme 2023. Collection method: clinical testing. Allele origin: germline.
Comment: The p.G577E variant (also known as c.1730G>A), located in coding exon 12 of the CDH1 gene, results from a G to A substitution at nucleotide position 1730. The glycine at codon 577 is replaced by glutamic acid, an amino acid with similar properties. This variant was not reported in population based cohorts in the following databases: Database of Single Nucleotide Polymorphisms (dbSNP), NHLBI Exome Sequencing Project (ESP), and 1000 Genomes Project. In the ESP, this variant was not observed in 6498 samples (12996 alleles) with coverage at this position.To date, this alteration has been detected with an allele frequency of approximately 0.001% (greater than 175000 alleles tested) in our clinical cohort. This amino acid position is highly conserved in available vertebrate species. In addition, this alteration is predicted to be deleterious by in silico analysis. Since supporting evidence is limited at this time, the clinical significance of this alteration remains unclear.